The following is an entry in ClinVar:

ClinVar aggregate classification (germline): Uncertain significance (1 of 4 stars; one submission).

gnomAD v4.1: 7 of 1,614,006 alleles (0.00043%); highest among the groups gnomAD compares: African/African-American, 0.004%; no homozygotes.

Submission:

Labcorp Genetics (formerly Invitae), Labcorp
Classification: Uncertain significance. Last evaluated: 2024-12-20. Review status: criteria provided, single submitter. Criteria: Invitae Variant Classification Sherloc (09022015). Collection method: clinical testing. Allele origin: germline.
Comment: This sequence change replaces threonine, which is neutral and polar, with arginine, which is basic and polar, at codon 717 of the PLPPR4 protein (p.Thr717Arg). This variant is not present in population databases (gnomAD no frequency). This variant has not been reported in the literature in individuals affected with PLPPR4-related conditions. Experimental studies and prediction algorithms are not available or were not evaluated, and the functional significance of this variant is currently unknown. In summary, the available evidence is currently insufficient to determine the role of this variant in disease. Therefore, it has been classified as a Variant of Uncertain Significance.

NM_014839.5(PLPPR4):c.2006C>G (p.Thr669Arg)

Gene: PLPPR4 (phospholipid phosphatase related 4; plus strand). Cytogenetic location: 1p21.2.
Variant type: single nucleotide variant.
Coding change: c.2006C>G on transcript NM_014839.5 (MANE Select); coding-DNA position 2006, C replaced by G.
Protein change: p.Thr669Arg; replaces threonine 669 with arginine.
Molecular consequence: missense variant.
Genome position (GRCh38, 1-based): chr1:99,306,868, C>G. VCF-style: chr1-99306868-C-G. GRCh37 (hg19) VCF-style: chr1-99772424-C-G.
Other names: c.1832C>G, p.Thr611Arg (NM_001166252.2); short protein forms T669R, T611R.
Identifiers: ClinVar variation 3684335 (VCV003684335.2).